The following is an entry in ClinVar:

NM_014233.4(UBTF):c.758G>A (p.Arg253Gln)

Genes: ATXN7L3-AS1 (ATXN7L3 antisense RNA 1; plus strand), UBTF (upstream binding transcription factor; minus strand). Cytogenetic location: 17q21.31.
Variant type: single nucleotide variant.
Coding change: c.758G>A on transcript NM_014233.4 (MANE Select); coding-DNA position 758, G replaced by A.
Protein change: p.Arg253Gln; replaces arginine 253 with glutamine.
Molecular consequence: missense variant. On other transcripts: non-coding transcript variant (1), intron variant (2).
Genome position (GRCh38, 1-based): chr17:44,212,357, C>T on the plus strand (G>A on the coding strand, the complement: UBTF is on the minus strand). VCF-style: chr17-44212357-C-T. GRCh37 (hg19) VCF-style: chr17-42289725-C-T.
Other names: c.661-351G>A (NM_001076683.2, NM_001076684.3); short protein forms R253Q.
Identifiers: ClinVar variation 4883326 (VCV004883326.2).

ClinVar aggregate classification (germline): Uncertain significance (1 of 4 stars; one submission).

gnomAD v4.1: 2 of 1,613,128 alleles (0.00012%); highest among the groups gnomAD compares: Non-Finnish European, 0.00017%; no homozygotes.

Submission:

Dasa
Classification: Uncertain significance. Last evaluated: 2024-12-20. Review status: criteria provided, single submitter. Criteria: DASA Assertion Criteria. Collection method: clinical testing. Allele origin: germline.
Comment: NM_014233.4(UBTF):c.758G>A (p.Arg253Gln) is a missense variant that results in the substitution of arginine with glutamine. This variant is rare in population databases. The currently available literature and clinical evidence are not sufficient to establish a definitive association between this variant and the reported condition. Therefore, this variant is classified as a variant of uncertain significance.